The following is an entry in ClinVar:

ClinVar aggregate classification (germline): Uncertain significance (1 of 4 stars; one submission).

gnomAD v4.1: 23 of 1,613,040 alleles (0.0014%); highest among the groups gnomAD compares: Admixed American, 0.0033%; no homozygotes.

Submission:

Labcorp Genetics (formerly Invitae), Labcorp
Classification: Uncertain significance. Last evaluated: 2025-06-16. Review status: criteria provided, single submitter. Criteria: Invitae Variant Classification Sherloc (09022015). Collection method: clinical testing. Allele origin: germline.
Comment: This sequence change affects an acceptor splice site in intron 9 of the CREB3L3 gene. While this variant is not anticipated to result in nonsense mediated decay, it likely alters RNA splicing and results in a disrupted protein product. This variant is present in population databases (rs780011122, gnomAD 0.006%). Disruption of this splice site has been observed in individual(s) with hypertriglyceridemia (internal data). Variants that disrupt the consensus splice site are a relatively common cause of aberrant splicing (PMID: 17576681, 9536098). Algorithms developed to predict the effect of sequence changes on RNA splicing suggest that this variant may disrupt the consensus splice site. In summary, the available evidence is currently insufficient to determine the role of this variant in disease. Therefore, it has been classified as a Variant of Uncertain Significance.

Literature cited by the submitters: PubMed 17576681; PubMed 9536098.

NM_032607.3(CREB3L3):c.1073-2A>G

Gene: CREB3L3 (cAMP responsive element binding protein 3 like 3; plus strand). Cytogenetic location: 19p13.3.
Variant type: single nucleotide variant.
Coding change: c.1073-2A>G on transcript NM_032607.3 (MANE Select); the canonical splice acceptor site of the intron before coding-DNA position 1073, A replaced by G.
Molecular consequence: splice acceptor variant.
Genome position (GRCh38, 1-based): chr19:4,171,654, A>G. VCF-style: chr19-4171654-A-G. GRCh37 (hg19) VCF-style: chr19-4171651-A-G.
Other names: c.966-2A>G (NM_001271997.2); c.1067-2A>G (NM_001271996.2); c.1070-2A>G (NM_001271995.2).
Identifiers: ClinVar variation 4690555 (VCV004690555.1).